The following is an entry in ClinVar:

ClinVar aggregate classification (germline): Benign. Review status: criteria provided, multiple submitters, no conflicts (2 of 4 stars). 3 submissions from 3 submitters: Benign (2). 1 of the submissions does not count toward it. Last evaluated 2018-09-19.

Conditions:
DNAH10-related disorder. Also called: DNAH10-related condition.

Allele frequency attached by ClinVar (database versions not stated): 1000 Genomes Project 0.01558; 1000 Genomes Project 30x 0.01671; gnomAD 0.01854 and 0.02014; ESP Exome Variant Server 0.02115; gnomAD exomes 0.00550; ExAC 0.00981; TOPMed 0.02081.
gnomAD v4.1: 5,738 of 1,567,652 alleles (0.37%); highest among the groups gnomAD compares: African/African-American, 6.3%; 165 homozygotes.

Submissions (4):

Labcorp Genetics (formerly Invitae), Labcorp
Classification: Benign. Last evaluated: 2018-09-19. Review status: criteria provided, single submitter. Criteria: Invitae Variant Classification Sherloc (09022015). Collection method: clinical testing. Allele origin: germline.

Breakthrough Genomics
Classification: Benign. Review status: criteria provided, single submitter. Criteria: ACMG Guidelines, 2015. Collection method: not provided. Allele origin: germline. Inheritance: Autosomal recessive inheritance. Affected: yes.

PreventionGenetics, part of Exact Sciences
Classification: Benign for DNAH10-related condition. Last evaluated: 2024-08-31. Review status: no assertion criteria provided. Collection method: clinical testing. Allele origin: germline. Not counted in ClinVar's aggregate classification.
Comment: This variant is classified as benign based on ACMG/AMP sequence variant interpretation guidelines (Richards et al. 2015 PMID: 25741868, with internal and published modifications).

Dr. Peter K. Rogan Lab, Western University
No classification provided (evidence only). Condition: Ovarian serous cystadenocarcinoma. Review status: no classification provided. Collection method: in vitro. Allele origin: not applicable. Functional consequence: retained intron. Not counted in ClinVar's aggregate classification.

NM_001372106.1(DNAH10):c.2620G>A (p.Gly874Ser)

Gene: DNAH10 (dynein axonemal heavy chain 10; plus strand). Cytogenetic location: 12q24.31.
Variant type: single nucleotide variant.
Coding change: c.2620G>A on transcript NM_001372106.1 (MANE Select); coding-DNA position 2620, G replaced by A.
Protein change: p.Gly874Ser; replaces glycine 874 with serine.
Molecular consequence: missense variant.
Genome position (GRCh38, 1-based): chr12:123,803,666, G>A. VCF-style: chr12-123803666-G-A. GRCh37 (hg19) VCF-style: chr12-124288213-G-A.
Other names: NC_000012.11:g.124288213G>A; c.2266G>A, p.Gly756Ser (NM_207437.3); short protein forms G756S, G874S.
Identifiers: ClinVar variation 784527 (VCV000784527.6), dbSNP rs77726895, ClinGen allele CA6863109.
Genomic context (GRCh38, chr12:123,803,666, plus strand): 5'-ATGTGGAAAGACAGAGTTGGAAGCCAAATGTCTTTCTTTCTTTCTTTCTTCAAAGGTATC[G>A]GTGACTATATAACTGGTTGCAAACAGGCCATTGGGAAATTTGAGTCTCTCGTCCACCAGA-3'
Protein context (NP_001359035.1, residues 864-884): KRLNWNSLGI[Gly874Ser]DYITGCKQAI